The following is an entry in ClinVar:

ClinVar aggregate classification (germline): Likely benign. Review status: criteria provided, multiple submitters, no conflicts (2 of 4 stars). 3 submissions from 3 submitters: Likely benign (3). Last evaluated 2026-03-01.

Allele frequency attached by ClinVar (database versions not stated): gnomAD 0.00002; TOPMed 0.00007; gnomAD exomes 0.00019; ExAC 0.00023.

Submissions (3):

CeGaT Center for Human Genetics Tuebingen
Classification: Likely benign. Last evaluated: 2026-03-01. Review status: criteria provided, single submitter. Criteria: CeGaT Center For Human Genetics Tuebingen Variant Classification Criteria Version 2. Collection method: clinical testing. Allele origin: germline. Affected: yes. Observed: 1 variant allele.
Comment: SLC26A4: BP4, BP7

Labcorp Genetics (formerly Invitae), Labcorp
Classification: Likely benign. Last evaluated: 2024-04-15. Review status: criteria provided, single submitter. Criteria: Invitae Variant Classification Sherloc (09022015). Collection method: clinical testing. Allele origin: germline.

GeneDx
Classification: Likely benign. Last evaluated: 2017-09-08. Review status: criteria provided, single submitter. Criteria: GeneDx Variant Classification (06012015). Collection method: clinical testing. Allele origin: germline. Affected: yes.
Comment: This variant is considered likely benign or benign based on one or more of the following criteria: it is a conservative change, it occurs at a poorly conserved position in the protein, it is predicted to be benign by multiple in silico algorithms, and/or has population frequency not consistent with disease.

NM_000441.2(SLC26A4):c.183C>T (p.Ala61=)

Gene: SLC26A4 (solute carrier family 26 member 4; plus strand). Cytogenetic location: 7q22.3.
Variant type: single nucleotide variant.
Coding change: c.183C>T on transcript NM_000441.2 (MANE Select); coding-DNA position 183, C replaced by T.
Protein change: p.Ala61=; no amino-acid change (alanine 61 retained).
Molecular consequence: synonymous variant.
Genome position (GRCh38, 1-based): chr7:107,663,314, C>T. VCF-style: chr7-107663314-C-T. GRCh37 (hg19) VCF-style: chr7-107303759-C-T.
Identifiers: ClinVar variation 511749 (VCV000511749.15), dbSNP rs778574810, ClinGen allele CA4432391.